The following is an entry in ClinVar:

ClinVar aggregate classification (germline): Pathogenic (1 of 4 stars; one submission).

Conditions:
Nemaline myopathy 5 (NEM5A). Also called: Nemaline myopathy 5, Amish type; NEMALINE MYOPATHY, AMISH TYPE; NEMALINE MYOPATHY 5A, AUTOSOMAL RECESSIVE, SEVERE INFANTILE. Identifiers: Orphanet 98902, MedGen C1854380, MONDO:0011539, OMIM 605355.

Submission:

Labcorp Genetics (formerly Invitae), Labcorp
Classification: Pathogenic for Nemaline myopathy 5. Last evaluated: 2017-12-02. Review status: criteria provided, single submitter. Criteria: Invitae Variant Classification Sherloc (09022015). Collection method: clinical testing. Allele origin: germline.
Comment: For these reasons, this variant has been classified as Pathogenic. Loss-of-function variants in TNNT1 are known to be pathogenic (PMID: 10952871, 24689076, 25430424). This variant has not been reported in the literature in individuals with TNNT1-related disease. This variant is not present in population databases (ExAC no frequency). This sequence change creates a premature translational stop signal (p.Lys41Glnfs*22) in the TNNT1 gene. It is expected to result in an absent or disrupted protein product.

Literature cited by the submitters: PubMed 10952871; PubMed 24689076; PubMed 25430424.

NM_003283.6(TNNT1):c.120dup (p.Lys41fs)

Gene: TNNT1 (troponin T1, slow skeletal type; minus strand). Cytogenetic location: 19q13.42.
Variant type: Duplication.
Coding change: c.120dup on transcript NM_003283.6 (MANE Select); coding-DNA position 120, one base duplicated (C; older notation c.120dupC).
Protein change: p.Lys41fs; shifts the reading frame from lysine 41.
Molecular consequence: frameshift variant.
Genome position (GRCh38, 1-based): chr19:55,145,552, G duplicated on the plus strand (C on the coding strand, the reverse complement: TNNT1 is on the minus strand); the first of 4 consecutive G bases (chr19:55,145,552-55,145,555); duplicating any one gives the same sequence. VCF-style (leftmost placement, unchanged base first): chr19-55145551-T-TG. GRCh37 (hg19) VCF-style: chr19-55656919-T-TG.
Other names: c.120dup, p.Lys41fs (NM_001126132.3); c.87dup, p.Lys30fs (NM_001126133.3, NM_001291774.2); c.120dupC (NM_003283.5); short protein forms K41fs, K30fs.
Identifiers: ClinVar variation 534399 (VCV000534399.7), dbSNP rs1555859304, ClinGen allele CA658799312.